The following is an entry in ClinVar:

NM_001271.4(CHD2):c.4279-272T>C

Gene: CHD2 (chromodomain helicase DNA binding protein 2; plus strand). Cytogenetic location: 15q26.1.
Variant type: single nucleotide variant.
Coding change: c.4279-272T>C on transcript NM_001271.4 (MANE Select); 272 bases into the intron before coding-DNA position 4279, T replaced by C.
Molecular consequence: intron variant.
Genome position (GRCh38, 1-based): chr15:93,004,345, T>C. VCF-style: chr15-93004345-T-C. GRCh37 (hg19) VCF-style: chr15-93547575-T-C.
Identifiers: ClinVar variation 668083 (VCV000668083.1), dbSNP rs8042437, ClinGen allele CA15835810.

ClinVar aggregate classification (germline): Benign (1 of 4 stars; one submission).

Allele frequency attached by ClinVar (database versions not stated): gnomAD 0.61804; TOPMed 0.64821; 1000 Genomes Project 30x 0.68879; 1000 Genomes Project 0.69908.
gnomAD v4.1: 96,388 of 151,964 alleles (63%); highest among the groups gnomAD compares: East Asian, 96%; 31,731 homozygotes.

Submission:

GeneDx
Classification: Benign. Last evaluated: 2018-06-18. Review status: criteria provided, single submitter. Criteria: GeneDx Variant Classification (06012015). Collection method: clinical testing. Allele origin: germline. Affected: yes.
Comment: This variant is considered likely benign or benign based on one or more of the following criteria: it is a conservative change, it occurs at a poorly conserved position in the protein, it is predicted to be benign by multiple in silico algorithms, and/or has population frequency not consistent with disease.